The following is an entry in ClinVar:

NM_016333.4(SRRM2):c.838C>T (p.Arg280Ter)

Gene: SRRM2 (serine/arginine repetitive matrix 2; plus strand). Cytogenetic location: 16p13.3.
Variant type: single nucleotide variant.
Coding change: c.838C>T on transcript NM_016333.4 (MANE Select); coding-DNA position 838, C replaced by T.
Protein change: p.Arg280Ter; replaces arginine 280 with a stop codon.
Molecular consequence: nonsense.
Genome position (GRCh38, 1-based): chr16:2,760,305, C>T. VCF-style: chr16-2760305-C-T. GRCh37 (hg19) VCF-style: chr16-2810306-C-T.
Other names: short protein forms R280*.
Identifiers: ClinVar variation 3449525 (VCV003449525.2).

ClinVar aggregate classification (germline): Pathogenic. Review status: criteria provided, multiple submitters, no conflicts (2 of 4 stars). 2 submissions from 2 submitters: Pathogenic (2). Last evaluated 2024-09-07.

Conditions:
Inborn genetic diseases. Identifiers: MedGen C0950123, MeSH D030342.
SRRM2-related disorder. Also called: SRRM2-related condition.

Submissions (2):

Ambry Genetics
Classification: Pathogenic for Inborn genetic diseases. Last evaluated: 2024-09-07. Review status: criteria provided, single submitter. Criteria: Ambry Variant Classification Scheme 2023. Collection method: clinical testing. Allele origin: germline.
Comment: The c.838C>T (p.R280*) alteration, located in exon 10 (coding exon 9) of the SRRM2 gene, consists of a C to T substitution at nucleotide position 838. This changes the amino acid from an arginine (R) to a stop codon at amino acid position 280. This alteration is expected to result in loss of function by premature protein truncation or nonsense-mediated mRNA decay. This variant was not reported in population-based cohorts in the Genome Aggregation Database (gnomAD). This variant has been reported as a de novo finding in two unrelated individuals with a neurodevelopmental disorder (Hamanaka, 2022). Based on the available evidence, this alteration is classified as pathogenic.

Blueprint Genetics
Classification: Pathogenic for SRRM2-related disorders. Last evaluated: 2021-09-09. Review status: criteria provided, single submitter. Criteria: ACMG Guidelines, 2015. Collection method: clinical testing. Allele origin: de novo. Affected: yes. Observed: 1 variant allele.

Literature cited by the submitters: PubMed 35468861 (cited by Ambry Genetics).